The following is an entry in ClinVar:

NM_000875.5(IGF1R):c.3722+5G>A

Gene: IGF1R (insulin like growth factor 1 receptor; plus strand). Cytogenetic location: 15q26.3.
Variant type: single nucleotide variant.
Coding change: c.3722+5G>A on transcript NM_000875.5 (MANE Select); 5 bases into the intron after coding-DNA position 3722, G replaced by A.
Molecular consequence: intron variant.
Genome position (GRCh38, 1-based): chr15:98,948,713, G>A. VCF-style: chr15-98948713-G-A. GRCh37 (hg19) VCF-style: chr15-99491942-G-A.
Other names: NC_000015.9:g.99491942G>A; c.3719+5G>A (NM_001291858.2).
Identifiers: ClinVar variation 1029964 (VCV001029964.4), dbSNP rs2016652547, ClinGen allele CA2199282778.
Genomic context (GRCh38, chr15:98,948,713, plus strand): 5'-CGCTTCGTCATGGAGGGCGGCCTTCTGGACAAGCCAGACAACTGTCCTGACATGCTGTAC[G>A]TACTTCCTGGGCCCTCCGTGCTCTTCTGAGTTCTCTTCTCAAATACCTGTTTTCTTGGGT-3'

ClinVar aggregate classification (germline): Conflicting classifications of pathogenicity. Review status: criteria provided, conflicting classifications (1 of 4 stars). 2 submissions from 2 submitters: Likely pathogenic (1); Uncertain significance (1). Last evaluated 2026-07-08.

Conditions:
Growth delay due to insulin-like growth factor I resistance. Also called: Insulin-Like Growth Factor I Resistance; Somatomedin end-organ insensitivity to; Somatomedin-c resistance to; IGF-1 resistance; IGF-I RESISTANCE. Identifiers: Orphanet 73273, MedGen C1849157, MONDO:0010038, OMIM 270450.

Allele frequency attached by ClinVar (database versions not stated): gnomAD exomes below 0.00001.
gnomAD v4.1: 3 of 1,614,010 alleles (0.00019%); highest among the groups gnomAD compares: Non-Finnish European, 0.00025%; no homozygotes.

Submissions (3):

GeneDx
Classification: Likely pathogenic. Last evaluated: 2026-07-08. Review status: criteria provided, single submitter. Criteria: GeneDx Variant Classification Process June 2021. Collection method: clinical testing. Allele origin: germline.
Comment: RNA studies demonstrate a damaging effect on splicing causing out-of-frame retention of intron 20 (PMID: 41042543); Not observed at significant frequency in large population cohorts (gnomAD); In silico analysis supports a deleterious effect on splicing; This variant is associated with the following publications: (PMID: 41042543)

Baylor Genetics
Classification: Uncertain significance for Growth delay due to insulin-like growth factor I resistance. Last evaluated: 2019-04-29. Review status: criteria provided, single submitter. Criteria: ACMG Guidelines, 2015. Collection method: clinical testing. Allele origin: paternal. Affected: yes.
Comment: This variant was determined to be of uncertain significance according to ACMG Guidelines, 2015 [PMID:25741868].

Dr. Peter K. Rogan Lab, Western University
No classification provided (evidence only). Condition: Uterine corpus endometrial carcinoma. Review status: no classification provided. Collection method: in vitro. Allele origin: not applicable. Functional consequence: retained intron. Not counted in ClinVar's aggregate classification.